The following is an entry in ClinVar:

NM_006852.6(TLK2):c.907C>T (p.Arg303Ter)

Genes: TLK2 (tousled like kinase 2; plus strand), LOC126862611 (CDK7 strongly-dependent group 2 enhancer GRCh37_chr17:60642433-60643632; plus strand). Cytogenetic location: 17q23.2.
Variant type: single nucleotide variant.
Coding change: c.907C>T on transcript NM_006852.6 (MANE Select); coding-DNA position 907, C replaced by T.
Protein change: p.Arg303Ter; replaces arginine 303 with a stop codon.
Molecular consequence: nonsense.
Genome position (GRCh38, 1-based): chr17:62,565,076, C>T. VCF-style: chr17-62565076-C-T. GRCh37 (hg19) VCF-style: chr17-60642437-C-T.
Other names: c.907C>T (NM_001284333.1); c.907C>T, p.Arg303Ter (NM_001375270.1, NM_001375271.1, NM_001284333.3); c.811C>T, p.Arg271Ter (NM_001375272.1, NM_001284363.1); c.460C>T, p.Arg154Ter (NM_001375273.1, NM_001330418.3); c.949C>T, p.Arg317Ter (NM_001375269.1); short protein forms R154*, R271*, R303*, R317*.
Identifiers: ClinVar variation 617933 (VCV000617933.8), dbSNP rs138247472, ClinGen allele CA400499664.
Genomic context (GRCh38, chr17:62,565,076, plus strand): 5'-ATGGCGTGTAGAGATAAGAGCATGCAAGACCGCTTGAGACTGGGCCACTTTACTACTGTC[C>T]GACACGGAGCCTCATTTACTGAACAGTGGACAGATGGTTATGCTTTTCAGAATCTTATCA-3'

ClinVar aggregate classification (germline): Pathogenic. Review status: criteria provided, multiple submitters, no conflicts (2 of 4 stars). 5 submissions from 5 submitters: Pathogenic (4). 1 of the submissions does not count toward it. Last evaluated 2025-09-02.

Conditions:
Intellectual developmental disorder, autosomal dominant 57. Also called: MENTAL RETARDATION, AUTOSOMAL DOMINANT 57; Intellectual disability, autosomal dominant 57. Identifiers: MedGen C4748003, MONDO:0054837, OMIM 618050.

Submissions (5):

3billion
Classification: Pathogenic for Intellectual developmental disorder, autosomal dominant 57. Last evaluated: 2025-09-02. Review status: criteria provided, single submitter. Criteria: ACMG Guidelines, 2015. Collection method: clinical testing. Allele origin: germline. Affected: yes.
Comment: The variant is not observed in the gnomAD v4.1.0 dataset. Predicted Consequence/Location: Stop-gained (nonsense): predicted to result in a loss or disruption of normal protein function through nonsense-mediated decay (NMD) or protein truncation. Multiple pathogenic variants are reported downstream of the variant. The variant has been previously reported as de novo in a similarly affected individual (PMID: 29861108). The variant has been reported at least twice as pathogenic with clinical assertions and evidence for the classification (ClinVar ID: VCV000617933 /PMID: 29861108). Therefore, this variant is classified as Pathogenic according to the recommendation of ACMG/AMP guideline.

GeneDx
Classification: Pathogenic. Last evaluated: 2024-05-10. Review status: criteria provided, single submitter. Criteria: GeneDx Variant Classification Process June 2021. Collection method: clinical testing. Allele origin: germline. Affected: yes.
Comment: Nonsense variant predicted to result in protein truncation or nonsense mediated decay in a gene for which loss of function is a known mechanism of disease; Not observed at significant frequency in large population cohorts (gnomAD); This variant is associated with the following publications: (PMID: 35032046, 29861108)

Genetics and Molecular Pathology, SA Pathology
Classification: Pathogenic for Intellectual developmental disorder, autosomal dominant 57. Last evaluated: 2020-07-21. Review status: criteria provided, single submitter. Criteria: ACMG Guidelines, 2015. Collection method: clinical testing. Allele origin: germline. Affected: yes.

SIB Swiss Institute of Bioinformatics
Classification: Pathogenic for Intellectual developmental disorder, autosomal dominant 57. Last evaluated: 2018-10-15. Review status: criteria provided, single submitter. Criteria: ACMG Guidelines, 2015. Collection method: curation. Allele origin: de novo.
Comment: This variant is interpreted as Pathogenic, for Mental retardation, autosomal dominant 57. The following ACMG Tag(s) were applied: PM2 => Absent from controls (or at extremely low frequency if recessive) in Exome Sequencing Project, 1000 Genomes Project, or Exome Aggregation Consortium. PVS1 => Predicted nullvariant in a gene where LOF is a known mechanism of disease (PubMed 29861108). PM6 => Assumed de novo, but without confirmation of paternity and maternity (PubMed 29861108).

Molecular Genetics Laboratory, BC Children's and BC Women's Hospitals
Classification: Pathogenic for Intellectual developmental disorder, autosomal dominant 57. Last evaluated: 2025-08-05. Review status: no assertion criteria provided. Criteria: ACMG Guidelines, 2015. Collection method: clinical testing. Allele origin: de novo. Affected: yes. Not counted in ClinVar's aggregate classification.

Literature cited by the submitters: PubMed 29861108 (cited by 3billion and SIB Swiss Institute of Bioinformatics).